The following is an entry in ClinVar:

NM_000199.5(SGSH):c.663+3A>G

Gene: SGSH (N-sulfoglucosamine sulfohydrolase; minus strand). Cytogenetic location: 17q25.3.
Variant type: single nucleotide variant.
Coding change: c.663+3A>G on transcript NM_000199.5 (MANE Select); 3 bases into the intron after coding-DNA position 663, A replaced by G.
Molecular consequence: intron variant.
Genome position (GRCh38, 1-based): chr17:80,214,169, T>C on the plus strand (A>G on the coding strand, the complement: SGSH is on the minus strand). VCF-style: chr17-80214169-T-C. GRCh37 (hg19) VCF-style: chr17-78187968-T-C.
Other names: c.663+3A>G (NM_001352921.3, NM_001352922.2).
Identifiers: ClinVar variation 1385661 (VCV001385661.6), dbSNP rs2144741879, ClinGen allele CA2573155028.

ClinVar aggregate classification (germline): Uncertain significance (1 of 4 stars; one submission).

Conditions:
Mucopolysaccharidosis, MPS-III-A (MPS3A). Also called: Mucopolysaccharidosis, type IIIA; mucopolysaccharidosis type 3A; MPS IIIA (Sanfilippo Syndrome Type A); HEPARAN SULFATE SULFATASE DEFICIENCY; Mucopolysaccharidosis type IIIA (Sanfilippo A); SANFILIPPO SYNDROME A. Identifiers: Orphanet 581, Orphanet 79269, MedGen C0086647, MONDO:0009655, OMIM 252900.

Submission:

Labcorp Genetics (formerly Invitae), Labcorp
Classification: Uncertain significance for Mucopolysaccharidosis, MPS-III-A. Last evaluated: 2021-10-10. Review status: criteria provided, single submitter. Criteria: Invitae Variant Classification Sherloc (09022015). Collection method: clinical testing. Allele origin: germline.
Comment: This sequence change falls in intron 5 of the SGSH gene. It does not directly change the encoded amino acid sequence of the SGSH protein. It affects a nucleotide within the consensus splice site. This variant is not present in population databases (ExAC no frequency). This variant has not been reported in the literature in individuals affected with SGSH-related conditions. Variants that disrupt the consensus splice site are a relatively common cause of aberrant splicing (PMID: 17576681, 9536098). Algorithms developed to predict the effect of sequence changes on RNA splicing suggest that this variant may disrupt the consensus splice site. In summary, the available evidence is currently insufficient to determine the role of this variant in disease. Therefore, it has been classified as a Variant of Uncertain Significance.

Literature cited by the submitters: PubMed 17576681; PubMed 9536098.